The following is an entry in ClinVar:

ClinVar aggregate classification (germline): Uncertain significance. Review status: reviewed by expert panel (3 of 4 stars). 2 submissions from 2 submitters: Uncertain significance (1). 1 of the submissions does not count toward it. Last evaluated 2025-08-01.

Conditions:
Malignant hyperthermia of anesthesia. Also called: Anesthesic-triggered malignant hyperthermia. Identifiers: Orphanet 423, MedGen C0024591, MONDO:0018493, HP:0034733.

Submissions (2):

ClinGen Malignant Hyperthermia Susceptibility Variant Curation Expert Panel, ClinGen
Classification: Uncertain significance for Malignant hyperthermia of anesthesia. Last evaluated: 2025-08-01. Review status: reviewed by expert panel. Criteria: ClinGen MHS ACMG Specifications V2. Collection method: curation. Allele origin: germline. Inheritance: Autosomal dominant inheritance.
Comment: This pathogenicity assessment is relevant only for malignant hyperthermia susceptibility (MHS) inherited in an autosomal dominant pattern. Variants in RYR1 can also cause other myopathies inherited in an autosomal dominant pattern or in an autosomal recessive pattern. Some of these disorders may predispose individuals to malignant hyperthermia. RYR1 variants may also contribute to a malignant hyperthermia reaction in combination with other genetic and non-genetic factors and the clinician needs to consider such factors in making management decisions. This sequence variant predicts a substitution of histidine with proline at codon 4729 of the RYR1 protein, p.(His4729Pro). This variant was not present in a large population database (gnomAD) at the time this variant was interpreted. This individual did not have a positive in vitro contracture test (IVCT) or caffeine halothane contracture test (CHCT) result, PS4 was not met (PMID: 26951757). No functional studies were identified for this variant. This variant resides in a region of RYR1 considered to be a hotspot for pathogenic variants that contribute to MHS, PM1_Sup (PMID: 21118704). A REVEL score of 0.758 supports neither a pathogenic nor a benign status for this variant. This variant has been classified as a Variant of Unknown Significance. Criteria implemented: PM1_Supporting.

PreventionGenetics, part of Exact Sciences
Classification: Uncertain significance. Last evaluated: 2016-08-25. Review status: criteria provided, single submitter. Criteria: ACMG Guidelines, 2015. Collection method: clinical testing. Allele origin: germline. Not counted in ClinVar's aggregate classification.

NM_000540.3(RYR1):c.14186A>C (p.His4729Pro)

Gene: RYR1 (ryanodine receptor 1; plus strand). Cytogenetic location: 19q13.2.
Variant type: single nucleotide variant.
Coding change: c.14186A>C on transcript NM_000540.3 (MANE Select); coding-DNA position 14186, A replaced by C.
Protein change: p.His4729Pro; replaces histidine 4729 with proline.
Molecular consequence: missense variant.
Genome position (GRCh38, 1-based): chr19:38,577,931, A>C. VCF-style: chr19-38577931-A-C. GRCh37 (hg19) VCF-style: chr19-39068571-A-C.
Other names: c.14171A>C, p.His4724Pro (NM_001042723.2); c.14186A>C (NM_000540.2); short protein forms H4729P, H4724P.
Identifiers: ClinVar variation 590447 (VCV000590447.5), dbSNP rs1568601643, ClinGen allele CA405684225.